The following is an entry in ClinVar:

ClinVar aggregate classification (germline): Uncertain significance. Review status: criteria provided, multiple submitters, no conflicts (2 of 4 stars). 2 submissions from 2 submitters: Uncertain significance (2). Last evaluated 2025-12-01.

Submissions (2):

CeGaT Center for Human Genetics Tuebingen
Classification: Uncertain significance. Last evaluated: 2025-12-01. Review status: criteria provided, single submitter. Criteria: CeGaT Center For Human Genetics Tuebingen Variant Classification Criteria Version 2. Collection method: clinical testing. Allele origin: germline. Affected: yes. Observed: 1 variant allele.
Comment: MN1: PM2, BP4

GeneDx
Classification: Uncertain significance. Last evaluated: 2023-12-03. Review status: criteria provided, single submitter. Criteria: GeneDx Variant Classification Process June 2021. Collection method: clinical testing. Allele origin: germline. Affected: yes.
Comment: Not observed at significant frequency in large population cohorts (gnomAD); In silico analysis supports that this missense variant does not alter protein structure/function; Has not been previously published as pathogenic or benign to our knowledge

NM_002430.3(MN1):c.3313C>G (p.Leu1105Val)

Gene: MN1 (MN1 proto-oncogene, transcriptional regulator; minus strand). Cytogenetic location: 22q12.1.
Variant type: single nucleotide variant.
Coding change: c.3313C>G on transcript NM_002430.3 (MANE Select); coding-DNA position 3313, C replaced by G.
Protein change: p.Leu1105Val; replaces leucine 1105 with valine.
Molecular consequence: missense variant.
Genome position (GRCh38, 1-based): chr22:27,797,231, G>C on the plus strand (C>G on the coding strand, the complement: MN1 is on the minus strand). VCF-style: chr22-27797231-G-C. GRCh37 (hg19) VCF-style: chr22-28193219-G-C.
Other names: short protein forms L1105V.
Identifiers: ClinVar variation 3365243 (VCV003365243.6).
Genomic context (GRCh38, chr22:27,797,231, plus strand): 5'-CCGGGCCCCCACCGCCGCCGTAGCTGTCAGGGGTCGAGGTAGAGTTAGACATGATGCCCA[G>C]GCCGAGGGCGGGCGGGGGCGCCTTCGGTCCGTGTTCCCCGGCGCCTACCCCACGGGGAGG-3'
Protein context (NP_002421.3, residues 1095-1115): GPKAPPPALG[Leu1105Val]GIMSNSTSTP